The following is an entry in ClinVar:

NM_022464.5(SIL1):c.91A>G (p.Ser31Gly)

Gene: SIL1 (SIL1 nucleotide exchange factor; minus strand). Cytogenetic location: 5q31.2.
Variant type: single nucleotide variant.
Coding change: c.91A>G on transcript NM_022464.5 (MANE Select); coding-DNA position 91, A replaced by G.
Protein change: p.Ser31Gly; replaces serine 31 with glycine.
Molecular consequence: missense variant.
Genome position (GRCh38, 1-based): chr5:139,127,753, T>C on the plus strand (A>G on the coding strand, the complement: SIL1 is on the minus strand). VCF-style: chr5-139127753-T-C. GRCh37 (hg19) VCF-style: chr5-138463442-T-C.
Other names: c.91A>G, p.Ser31Gly (NM_001037633.2); short protein forms S31G.
Identifiers: ClinVar variation 2004026 (VCV002004026.4), dbSNP rs2546427572, ClinGen allele CA361476742.

ClinVar aggregate classification (germline): Uncertain significance (1 of 4 stars; one submission).

Conditions:
Marinesco-Sjögren syndrome (MSS). Also called: Marinesco-Sjogren Syndrome; Marinesco-SjÃ¶gren syndrome. Identifiers: Orphanet 559, MedGen C0024814, MONDO:0009567, OMIM 248800.

Submission:

Labcorp Genetics (formerly Invitae), Labcorp
Classification: Uncertain significance for Marinesco-Sjögren syndrome. Last evaluated: 2023-03-22. Review status: criteria provided, single submitter. Criteria: Invitae Variant Classification Sherloc (09022015). Collection method: clinical testing. Allele origin: germline.
Comment: This sequence change replaces serine, which is neutral and polar, with glycine, which is neutral and non-polar, at codon 31 of the SIL1 protein (p.Ser31Gly). This variant is not present in population databases (gnomAD no frequency). This variant has not been reported in the literature in individuals affected with SIL1-related conditions. ClinVar contains an entry for this variant (Variation ID: 2004026). Algorithms developed to predict the effect of missense changes on protein structure and function output the following: SIFT: "Not Available"; PolyPhen-2: "Benign"; Align-GVGD: "Not Available". The glycine amino acid residue is found in multiple mammalian species, which suggests that this missense change does not adversely affect protein function. In summary, the available evidence is currently insufficient to determine the role of this variant in disease. Therefore, it has been classified as a Variant of Uncertain Significance.